The following is an entry in ClinVar:

ClinVar aggregate classification (germline): Uncertain significance. Review status: criteria provided, multiple submitters, no conflicts (2 of 4 stars). 2 submissions from 2 submitters: Uncertain significance (2). Last evaluated 2025-07-14.

Conditions:
Neurofibromatosis, type 1 (NF1). Also called: VON RECKLINGHAUSEN DISEASE; NEUROFIBROMATOSIS, TYPE I, SOMATIC; Neurofibromatosis, type I; Peripheral type neurofibromatosis. Identifiers: Orphanet 636, MedGen C0027831, MONDO:0018975, OMIM 162200. Disease mechanism: loss of function.
Cardiovascular phenotype. Identifiers: MedGen CN230736.
Hereditary cancer-predisposing syndrome. Also called: Neoplastic Syndromes, Hereditary; Tumor predisposition; Hereditary Cancer Syndrome; Hereditary neoplastic syndrome. Identifiers: Orphanet 140162, MedGen C0027672, MeSH D009386, MONDO:0015356.

Submissions (2):

Ambry Genetics
Classification: Uncertain significance for Cardiovascular phenotype; Hereditary cancer-predisposing syndrome. Last evaluated: 2025-07-14. Review status: criteria provided, single submitter. Criteria: Ambry Variant Classification Scheme 2023. Collection method: clinical testing. Allele origin: germline.
Comment: The p.N1482D variant (also known as c.4444A>G), located in coding exon 33 of the NF1 gene, results from an A to G substitution at nucleotide position 4444. The asparagine at codon 1482 is replaced by aspartic acid, an amino acid with highly similar properties. This amino acid position is highly conserved in available vertebrate species. In addition, the in silico prediction for this alteration is inconclusive. Based on the available evidence, the clinical significance of this variant remains unclear.

Labcorp Genetics (formerly Invitae), Labcorp
Classification: Uncertain significance for Neurofibromatosis, type 1. Last evaluated: 2023-09-09. Review status: criteria provided, single submitter. Criteria: Invitae Variant Classification Sherloc (09022015). Collection method: clinical testing. Allele origin: germline.
Comment: This sequence change replaces asparagine, which is neutral and polar, with aspartic acid, which is acidic and polar, at codon 1482 of the NF1 protein (p.Asn1482Asp). In summary, the available evidence is currently insufficient to determine the role of this variant in disease. Therefore, it has been classified as a Variant of Uncertain Significance. Advanced modeling of protein sequence and biophysical properties (such as structural, functional, and spatial information, amino acid conservation, physicochemical variation, residue mobility, and thermodynamic stability) has been performed at Invitae for this missense variant, however the output from this modeling did not meet the statistical confidence thresholds required to predict the impact of this variant on NF1 protein function. ClinVar contains an entry for this variant (Variation ID: 1740643). This variant has not been reported in the literature in individuals affected with NF1-related conditions. This variant is not present in population databases (gnomAD no frequency).

NM_001042492.3(NF1):c.4507A>G (p.Asn1503Asp)

Gene: NF1 (neurofibromin 1; plus strand). Cytogenetic location: 17q11.2.
Variant type: single nucleotide variant.
Coding change: c.4507A>G on transcript NM_001042492.3 (MANE Select); coding-DNA position 4507, A replaced by G.
Protein change: p.Asn1503Asp; replaces asparagine 1503 with aspartic acid.
Molecular consequence: missense variant.
Genome position (GRCh38, 1-based): chr17:31,260,445, A>G. VCF-style: chr17-31260445-A-G. GRCh37 (hg19) VCF-style: chr17-29587463-A-G.
Other names: c.4444A>G, p.Asn1482Asp (NM_000267.4); short protein forms N1482D, N1503D.
Identifiers: ClinVar variation 1740643 (VCV001740643.6), dbSNP rs1555618837, ClinGen allele CA398999573.